The following is an entry in ClinVar:

NM_000179.3(MSH6):c.2162G>C (p.Arg721Thr)

Gene: MSH6 (mutS homolog 6; plus strand). Cytogenetic location: 2p16.3.
Variant type: single nucleotide variant.
Coding change: c.2162G>C on transcript NM_000179.3 (MANE Select); coding-DNA position 2162, G replaced by C.
Protein change: p.Arg721Thr; replaces arginine 721 with threonine.
Molecular consequence: missense variant.
Genome position (GRCh38, 1-based): chr2:47,800,145, G>C. VCF-style: chr2-47800145-G-C. GRCh37 (hg19) VCF-style: chr2-48027284-G-C.
Other names: c.1772G>C, p.Arg591Thr (NM_001281492.2); c.1256G>C, p.Arg419Thr (NM_001281493.2, NM_001281494.2); short protein forms R721T, R419T, R591T.
Identifiers: ClinVar variation 631146 (VCV000631146.9), dbSNP rs876660319, ClinGen allele CA346751146.

ClinVar aggregate classification (germline): Uncertain significance. Review status: criteria provided, multiple submitters, no conflicts (2 of 4 stars). 3 submissions from 3 submitters: Uncertain significance (3). Last evaluated 2025-08-05.

Conditions:
Hereditary cancer-predisposing syndrome. Also called: Tumor predisposition; Neoplastic Syndromes, Hereditary; Hereditary neoplastic syndrome; Hereditary Cancer Syndrome. Identifiers: Orphanet 140162, MedGen C0027672, MeSH D009386, MONDO:0015356.
Hereditary nonpolyposis colorectal neoplasms. Identifiers: MedGen C0009405, MeSH D003123.

Submissions (3):

Labcorp Genetics (formerly Invitae), Labcorp
Classification: Uncertain significance for Hereditary nonpolyposis colorectal neoplasms. Last evaluated: 2025-08-05. Review status: criteria provided, single submitter. Criteria: Invitae Variant Classification Sherloc (09022015). Collection method: clinical testing. Allele origin: germline.
Comment: This sequence change replaces arginine, which is basic and polar, with threonine, which is neutral and polar, at codon 721 of the MSH6 protein (p.Arg721Thr). This variant is not present in population databases (gnomAD no frequency). This variant has not been reported in the literature in individuals affected with MSH6-related conditions. ClinVar contains an entry for this variant (Variation ID: 631146). Invitae Evidence Modeling of protein sequence and biophysical properties (such as structural, functional, and spatial information, amino acid conservation, physicochemical variation, residue mobility, and thermodynamic stability) indicates that this missense variant is not expected to disrupt MSH6 protein function with a negative predictive value of 95%. In summary, the available evidence is currently insufficient to determine the role of this variant in disease. Therefore, it has been classified as a Variant of Uncertain Significance.

Color Diagnostics, LLC DBA Color Health
Classification: Uncertain significance for Hereditary cancer-predisposing syndrome. Last evaluated: 2023-12-05. Review status: criteria provided, single submitter. Criteria: ACMG Guidelines, 2015. Collection method: clinical testing. Allele origin: germline.
Comment: This missense variant replaces arginine with threonine at codon 721 of the MSH6 protein. Computational prediction suggests that this variant may not impact protein structure and function (internally defined REVEL score threshold <= 0.5, PMID: 27666373). To our knowledge, functional studies have not been reported for this variant. This variant has not been reported in individuals affected with MSH6-related disorders in the literature. This variant has not been identified in the general population by the Genome Aggregation Database (gnomAD). The available evidence is insufficient to determine the role of this variant in disease conclusively. Therefore, this variant is classified as a Variant of Uncertain Significance.

Ambry Genetics
Classification: Uncertain significance for Hereditary cancer-predisposing syndrome. Last evaluated: 2020-09-28. Review status: criteria provided, single submitter. Criteria: Ambry Variant Classification Scheme 2023. Collection method: clinical testing. Allele origin: germline.
Comment: The p.R721T variant (also known as c.2162G>C), located in coding exon 4 of the MSH6 gene, results from a G to C substitution at nucleotide position 2162. The arginine at codon 721 is replaced by threonine, an amino acid with similar properties. This amino acid position is not well conserved in available vertebrate species. In addition, this alteration is predicted to be tolerated by in silico analysis. Since supporting evidence is limited at this time, the clinical significance of this alteration remains unclear.